The following is an entry in ClinVar:

NM_000222.3(KIT):c.193A>G (p.Lys65Glu)

Gene: KIT (KIT proto-oncogene, receptor tyrosine kinase; plus strand). Cytogenetic location: 4q12.
Variant type: single nucleotide variant.
Coding change: c.193A>G on transcript NM_000222.3 (MANE Select); coding-DNA position 193, A replaced by G.
Protein change: p.Lys65Glu; replaces lysine 65 with glutamic acid.
Molecular consequence: missense variant.
Genome position (GRCh38, 1-based): chr4:54,695,637, A>G. VCF-style: chr4-54695637-A-G. GRCh37 (hg19) VCF-style: chr4-55561803-A-G.
Other names: c.193A>G, p.Lys65Glu (NM_001093772.2, NM_001385284.1, NM_001385285.1 and 4 more transcripts); short protein forms K65E.
Identifiers: ClinVar variation 577512 (VCV000577512.11), dbSNP rs1407600939, ClinGen allele CA356897028.

ClinVar aggregate classification (germline): Uncertain significance. Review status: criteria provided, multiple submitters, no conflicts (2 of 4 stars). 2 submissions from 2 submitters: Uncertain significance (2). Last evaluated 2026-01-11.

Conditions:
Hereditary cancer-predisposing syndrome. Also called: Hereditary Cancer Syndrome; Tumor predisposition; Neoplastic Syndromes, Hereditary; Hereditary neoplastic syndrome. Identifiers: Orphanet 140162, MedGen C0027672, MeSH D009386, MONDO:0015356.
Gastrointestinal stromal tumor. Also called: Gastrointestinal stromal tumor, somatic; Gastrointestinal stroma tumor. Identifiers: Orphanet 44890, MedGen C0238198, MeSH D046152, MONDO:0011719, OMIM 606764, HP:0100723.

Allele frequency attached by ClinVar (database versions not stated): gnomAD exomes below 0.00001.
gnomAD v4.1: 7 of 1,614,264 alleles (0.00043%); highest among the groups gnomAD compares: Middle Eastern, 0.016%; no homozygotes.

Submissions (2):

Labcorp Genetics (formerly Invitae), Labcorp
Classification: Uncertain significance for Gastrointestinal stromal tumor. Last evaluated: 2026-01-11. Review status: criteria provided, single submitter. Criteria: Invitae Variant Classification Sherloc (09022015). Collection method: clinical testing. Allele origin: germline.
Comment: This sequence change replaces lysine, which is basic and polar, with glutamic acid, which is acidic and polar, at codon 65 of the KIT protein (p.Lys65Glu). This variant is present in population databases (no rsID available, gnomAD 0.003%). This variant has not been reported in the literature in individuals affected with KIT-related conditions. ClinVar contains an entry for this variant (Variation ID: 577512). An algorithm developed to predict the effect of missense changes on protein structure and function (PolyPhen-2) suggests that this variant is likely to be tolerated. In summary, the available evidence is currently insufficient to determine the role of this variant in disease. Therefore, it has been classified as a Variant of Uncertain Significance.

Ambry Genetics
Classification: Uncertain significance for Hereditary cancer-predisposing syndrome. Last evaluated: 2025-11-04. Review status: criteria provided, single submitter. Criteria: Ambry Variant Classification Scheme 2023. Collection method: clinical testing. Allele origin: germline.
Comment: The p.K65E variant (also known as c.193A>G), located in coding exon 2 of the KIT gene, results from an A to G substitution at nucleotide position 193. The lysine at codon 65 is replaced by glutamic acid, an amino acid with similar properties. This amino acid position is conserved. In addition, this alteration is predicted to be tolerated by in silico analysis. Since supporting evidence is limited at this time, the clinical significance of this alteration remains unclear.